The following is an entry in ClinVar:

ClinVar aggregate classification (germline): Uncertain significance (1 of 4 stars; one submission).

Conditions:
Rhabdoid tumor predisposition syndrome 2 (RTPS2). Identifiers: Orphanet 231108, Orphanet 69077, MedGen C2750074, MONDO:0013224, OMIM 613325.

Submission:

Labcorp Genetics (formerly Invitae), Labcorp
Classification: Uncertain significance for Rhabdoid tumor predisposition syndrome 2. Last evaluated: 2021-03-12. Review status: criteria provided, single submitter. Criteria: Invitae Variant Classification Sherloc (09022015). Collection method: clinical testing. Allele origin: germline.
Comment: In summary, the available evidence is currently insufficient to determine the role of this variant in disease. Therefore, it has been classified as a Variant of Uncertain Significance. Experimental studies and prediction algorithms are not available or were not evaluated, and the functional significance of this variant is currently unknown. This variant has not been reported in the literature in individuals with SMARCA4-related conditions. This variant is a gross deletion of the genomic region encompassing exon(s) 32-36 of the SMARCA4 gene. The 5' boundary is likely confined to intron 31. The 3' end of this event is unknown as it extends through the termination codon beyond the assayed region for this gene and may encompass additional genes. While this deletion is not anticipated to lead to nonsense mediated decay, it is expected to alter mRNA translation or result in a truncated protein product.

NC_000019.9:g.(?_11168921)_(11172492_?)del

Gene: SMARCA4 (SWI/SNF related BAF chromatin remodeling complex subunit ATPase 4; plus strand). Cytogenetic location: 19p13.2.
Variant type: Deletion.
Identifiers: ClinVar variation 1399623 (VCV001399623.6).